The following is an entry in ClinVar:

ClinVar aggregate classification (germline): Uncertain significance. Review status: criteria provided, multiple submitters, no conflicts (2 of 4 stars). 4 submissions from 4 submitters: Uncertain significance (4). Last evaluated 2025-04-30.

Conditions:
Pseudohypoaldosteronism type 2C (PHA2C). Also called: Pseudohypoaldosteronism Type IIC. Identifiers: Orphanet 757, Orphanet 88940, MedGen C1840391, MONDO:0013778, OMIM 614492.
Neuropathy, hereditary sensory and autonomic, type 2A (HSAN2A). Also called: ACROOSTEOLYSIS, GIACCAI TYPE; ACROOSTEOLYSIS, NEUROGENIC; MORVAN DISEASE; NEUROPATHY, CONGENITAL SENSORY; NEUROPATHY, HEREDITARY SENSORY RADICULAR, AUTOSOMAL RECESSIVE; NEUROPATHY, HEREDITARY SENSORY, TYPE IIA. Identifiers: Orphanet 970, MedGen C2752089, MONDO:0024309, OMIM 201300.

Allele frequency attached by ClinVar (database versions not stated): TOPMed below 0.00001; ExAC 0.00001; gnomAD exomes 0.00001.
gnomAD v4.1: 13 of 1,614,108 alleles (0.00081%); highest among the groups gnomAD compares: South Asian, 0.0011%; no homozygotes.

Submissions (4):

GeneDx
Classification: Uncertain significance. Last evaluated: 2025-04-30. Review status: criteria provided, single submitter. Criteria: GeneDx Variant Classification Process June 2021. Collection method: clinical testing. Allele origin: germline. Affected: yes.
Comment: Not observed at significant frequency in large population cohorts (gnomAD); In silico analysis supports that this missense variant has a deleterious effect on protein structure/function; Has not been previously published as pathogenic or benign to our knowledge

Labcorp Genetics (formerly Invitae), Labcorp
Classification: Uncertain significance for Neuropathy, hereditary sensory and autonomic, type 2A; Pseudohypoaldosteronism type 2C. Last evaluated: 2024-11-21. Review status: criteria provided, single submitter. Criteria: Invitae Variant Classification Sherloc (09022015). Collection method: clinical testing. Allele origin: germline.
Comment: This sequence change replaces arginine, which is basic and polar, with glutamine, which is neutral and polar, at codon 1434 of the WNK1 protein (p.Arg1434Gln). This variant is present in population databases (rs749563110, gnomAD 0.0009%). This variant has not been reported in the literature in individuals affected with WNK1-related conditions. ClinVar contains an entry for this variant (Variation ID: 857627). Invitae Evidence Modeling of protein sequence and biophysical properties (such as structural, functional, and spatial information, amino acid conservation, physicochemical variation, residue mobility, and thermodynamic stability) indicates that this missense variant is not expected to disrupt WNK1 protein function with a negative predictive value of 95%. In summary, the available evidence is currently insufficient to determine the role of this variant in disease. Therefore, it has been classified as a Variant of Uncertain Significance.

Fulgent Genetics
Classification: Uncertain significance for Neuropathy, hereditary sensory and autonomic, type 2A; Pseudohypoaldosteronism type 2C. Last evaluated: 2022-03-15. Review status: criteria provided, single submitter. Criteria: ACMG Guidelines, 2015. Collection method: clinical testing. Allele origin: unknown.

Breakthrough Genomics
Classification: Uncertain significance. Review status: criteria provided, single submitter. Criteria: ACMG Guidelines, 2015. Collection method: not provided. Allele origin: germline. Inheritance: Autosomal recessive inheritance. Affected: yes.

NM_018979.4(WNK1):c.3545G>A (p.Arg1182Gln)

Gene: WNK1 (WNK lysine deficient protein kinase 1; plus strand). Cytogenetic location: 12p13.33.
Variant type: single nucleotide variant.
Coding change: c.3545G>A on transcript NM_018979.4 (MANE Select); coding-DNA position 3545, G replaced by A.
Protein change: p.Arg1182Gln; replaces arginine 1182 with glutamine.
Molecular consequence: missense variant.
Genome position (GRCh38, 1-based): chr12:883,450, G>A. VCF-style: chr12-883450-G-A. GRCh37 (hg19) VCF-style: chr12-992616-G-A.
Other names: c.4325G>A, p.Arg1442Gln (NM_001184985.2); c.2804G>A, p.Arg935Gln (NM_014823.3); c.4301G>A, p.Arg1434Gln (NM_213655.5); short protein forms R1182Q, R1434Q, R935Q, R1442Q.
Identifiers: ClinVar variation 857627 (VCV000857627.10), dbSNP rs749563110, ClinGen allele CA6382799.